The following is an entry in ClinVar:

ClinVar aggregate classification (germline): Uncertain significance (1 of 4 stars; one submission).

Conditions:
GATA binding protein 1 related thrombocytopenia with dyserythropoiesis. Also called: GATA1-Related X-Linked Cytopenia; GATA1-Related Cytopenia. Identifiers: MedGen C1845837, MONDO:0100089.
Diamond-Blackfan anemia. Also called: Blackfan Diamond syndrome; Aregenerative anemia chronic congenital; Red cell aplasia, pure hereditary; Congenital hypoplastic anemia; Aase syndrome. Identifiers: Orphanet 124, MedGen C1260899, MeSH D029503, MONDO:0015253, HP:0004810.

Allele frequency attached by ClinVar (database versions not stated): gnomAD exomes 0.00002; TOPMed 0.00003; ExAC 0.00004; gnomAD 0.00005; 1000 Genomes Project 0.00026; 1000 Genomes Project 30x 0.00042.
gnomAD v4.1: 27 of 1,179,513 alleles (0.0023%); highest among the groups gnomAD compares: Middle Eastern, 0.024%; no homozygotes.

Submission:

Labcorp Genetics (formerly Invitae), Labcorp
Classification: Uncertain significance for GATA binding protein 1 related thrombocytopenia with dyserythropoiesis; Diamond-Blackfan anemia. Last evaluated: 2025-08-06. Review status: criteria provided, single submitter. Criteria: Invitae Variant Classification Sherloc (09022015). Collection method: clinical testing. Allele origin: germline.
Comment: This sequence change replaces proline, which is neutral and non-polar, with leucine, which is neutral and non-polar, at codon 410 of the GATA1 protein (p.Pro410Leu). This variant is present in population databases (rs781880992, gnomAD 0.009%). This variant has not been reported in the literature in individuals affected with GATA1-related conditions. ClinVar contains an entry for this variant (Variation ID: 2157153). Invitae Evidence Modeling of protein sequence and biophysical properties (such as structural, functional, and spatial information, amino acid conservation, physicochemical variation, residue mobility, and thermodynamic stability) has been performed for this missense variant. However, the output from this modeling did not meet the statistical confidence thresholds required to predict the impact of this variant on GATA1 protein function. In summary, the available evidence is currently insufficient to determine the role of this variant in disease. Therefore, it has been classified as a Variant of Uncertain Significance.

NM_002049.4(GATA1):c.1229C>T (p.Pro410Leu)

Gene: GATA1 (GATA binding protein 1; plus strand). Cytogenetic location: Xp11.23.
Variant type: single nucleotide variant.
Coding change: c.1229C>T on transcript NM_002049.4 (MANE Select); coding-DNA position 1229, C replaced by T.
Protein change: p.Pro410Leu; replaces proline 410 with leucine.
Molecular consequence: missense variant.
Genome position (GRCh38, 1-based): chrX:48,794,151, C>T. VCF-style: chrX-48794151-C-T. GRCh37 (hg19) VCF-style: chrX-48652558-C-T.
Other names: short protein forms P410L.
Identifiers: ClinVar variation 2157153 (VCV002157153.3), dbSNP rs781880992, ClinGen allele CA10404724.